The following is an entry in ClinVar:

ClinVar aggregate classification (germline): Benign/Likely benign. Review status: criteria provided, multiple submitters, no conflicts (2 of 4 stars). 3 submissions from 3 submitters: Benign (2); Likely benign (1). Last evaluated 2022-03-01.

Allele frequency attached by ClinVar (database versions not stated): 1000 Genomes Project 30x 0.00109; 1000 Genomes Project 0.00120; gnomAD 0.00310 and 0.00339; ExAC 0.00311; gnomAD exomes 0.00328; TOPMed 0.00339; ESP Exome Variant Server 0.00438.
gnomAD v4.1: 7,192 of 1,614,174 alleles (0.45%); highest among the groups gnomAD compares: Middle Eastern, 0.63%; 28 homozygotes.

Submissions (3):

CeGaT Center for Human Genetics Tuebingen
Classification: Likely benign. Last evaluated: 2022-03-01. Review status: criteria provided, single submitter. Criteria: CeGaT Center For Human Genetics Tuebingen Variant Classification Criteria Version 2. Collection method: clinical testing. Allele origin: germline. Affected: yes. Observed: 1 variant allele.
Comment: ZNF532: BP4

Labcorp Genetics (formerly Invitae), Labcorp
Classification: Benign. Last evaluated: 2018-05-31. Review status: criteria provided, single submitter. Criteria: Invitae Variant Classification Sherloc (09022015). Collection method: clinical testing. Allele origin: germline.

Breakthrough Genomics
Classification: Benign. Review status: criteria provided, single submitter. Criteria: ACMG Guidelines, 2015. Collection method: not provided. Allele origin: germline. Inheritance: Unknown mechanism. Affected: yes.

NM_001375912.1(ZNF532):c.426G>A (p.Glu142=)

Gene: ZNF532 (zinc finger protein 532; plus strand). Cytogenetic location: 18q21.32.
Variant type: single nucleotide variant.
Coding change: c.426G>A on transcript NM_001375912.1 (MANE Select); coding-DNA position 426, G replaced by A.
Protein change: p.Glu142=; no amino-acid change (glutamic acid 142 retained).
Molecular consequence: synonymous variant. On other transcripts: non-coding transcript variant (2).
Genome position (GRCh38, 1-based): chr18:58,918,713, G>A. VCF-style: chr18-58918713-G-A. GRCh37 (hg19) VCF-style: chr18-56585945-G-A.
Other names: c.426G>A, p.Glu142= (NM_001318726.2, NM_001318727.2, NM_001318728.2 and 16 more transcripts).
Identifiers: ClinVar variation 778773 (VCV000778773.28), dbSNP rs146238773, ClinGen allele CA8978204.
Genomic context (GRCh38, chr18:58,918,713, plus strand): 5'-AGACTCGACATTCAGCCAGTTTAGCCCGATCTCCAGTGCTGAAGAGTTTGATGACGACGA[G>A]AAGATTGAGGTGGATGACCCCCCTGACAAGGAGGACATGCGATCAAGCTTCAGGTCGAAT-3'
Protein context (NP_001362841.1, residues 132-152): ISSAEEFDDD[Glu142=]KIEVDDPPDK